The following is an entry in ClinVar:

ClinVar aggregate classification (germline): Uncertain significance (1 of 4 stars; one submission).

Conditions:
Nemaline myopathy 2 (NEM2). Also called: Nemaline myopathy 2, autosomal recessive. Identifiers: MedGen C1850569, MONDO:0009725, OMIM 256030.

gnomAD v4.1: 1 of 1,613,160 alleles (0.000062%); highest among the groups gnomAD compares: African/African-American, 0.0013%; no homozygotes.

Submission:

Labcorp Genetics (formerly Invitae), Labcorp
Classification: Uncertain significance for Nemaline myopathy 2. Last evaluated: 2022-08-09. Review status: criteria provided, single submitter. Criteria: Invitae Variant Classification Sherloc (09022015). Collection method: clinical testing. Allele origin: germline.
Comment: This sequence change replaces glutamic acid, which is acidic and polar, with glutamine, which is neutral and polar, at codon 43 of the NEB protein (p.Glu43Gln). This variant is not present in population databases (gnomAD no frequency). This variant has not been reported in the literature in individuals affected with NEB-related conditions. ClinVar contains an entry for this variant (Variation ID: 662738). Algorithms developed to predict the effect of missense changes on protein structure and function are either unavailable or do not agree on the potential impact of this missense change (SIFT: "Tolerated"; PolyPhen-2: "Not Available"; Align-GVGD: "Class C0"). In summary, the available evidence is currently insufficient to determine the role of this variant in disease. Therefore, it has been classified as a Variant of Uncertain Significance.

NM_001164508.2(NEB):c.127G>C (p.Glu43Gln)

Gene: NEB (nebulin; minus strand). Cytogenetic location: 2q23.3.
Variant type: single nucleotide variant.
Coding change: c.127G>C on transcript NM_001164508.2 (MANE Select); coding-DNA position 127, G replaced by C.
Protein change: p.Glu43Gln; replaces glutamic acid 43 with glutamine.
Molecular consequence: missense variant.
Genome position (GRCh38, 1-based): chr2:151,727,858, C>G on the plus strand (G>C on the coding strand, the complement: NEB is on the minus strand). VCF-style: chr2-151727858-C-G. GRCh37 (hg19) VCF-style: chr2-152584372-C-G.
Other names: c.127G>C, p.Glu43Gln (NM_001164507.2, NM_001271208.2, NM_004543.5); short protein forms E43Q.
Identifiers: ClinVar variation 662738 (VCV000662738.8), dbSNP rs1578040162, ClinGen allele CA348795705.
Genomic context (GRCh38, chr2:151,727,858, plus strand): 5'-CTGATGCTGGCTGTGCCAGTGCTGGCTGTGCCAGAGCTGGTTTGGAAGTTTCTGATTGCT[C>G]ATAGTCAGATGTCCTTGTTGTCGTAGTCTCATAAATTTTTGTTATTGTCTGAAAATTTGA-3'
Protein context (NP_001157980.2, residues 33-53): ETTTTRTSDY[Glu43Gln]QSETSKPALA